The following is an entry in ClinVar:

ClinVar aggregate classification (germline): Pathogenic (1 of 4 stars; one submission).

Conditions:
Alstrom syndrome (ALMS). Identifiers: Orphanet 64, MedGen C0268425, MONDO:0008763, OMIM 203800.

Allele frequency attached by ClinVar (database versions not stated): TOPMed below 0.00001; gnomAD 0.00001.
gnomAD v4.1: 1 of 1,613,338 alleles (0.000062%); highest among the groups gnomAD compares: African/African-American, 0.0013%; no homozygotes.

Submission:

Labcorp Genetics (formerly Invitae), Labcorp
Classification: Pathogenic for Alstrom syndrome. Last evaluated: 2024-01-02. Review status: criteria provided, single submitter. Criteria: Invitae Variant Classification Sherloc (09022015). Collection method: clinical testing. Allele origin: germline.
Comment: This sequence change creates a premature translational stop signal (p.Tyr1760*) in the ALMS1 gene. It is expected to result in an absent or disrupted protein product. Loss-of-function variants in ALMS1 are known to be pathogenic (PMID: 17594715). This variant is not present in population databases (gnomAD no frequency). This variant has not been reported in the literature in individuals affected with ALMS1-related conditions. ClinVar contains an entry for this variant (Variation ID: 1962909). For these reasons, this variant has been classified as Pathogenic.

Literature cited by the submitters: PubMed 17594715.

NM_001378454.1(ALMS1):c.5277T>G (p.Tyr1759Ter)

Gene: ALMS1 (ALMS1 centrosome and basal body associated protein; plus strand). Cytogenetic location: 2p13.1.
Variant type: single nucleotide variant.
Coding change: c.5277T>G on transcript NM_001378454.1 (MANE Select); coding-DNA position 5277, T replaced by G.
Protein change: p.Tyr1759Ter; replaces tyrosine 1759 with a stop codon.
Molecular consequence: nonsense.
Genome position (GRCh38, 1-based): chr2:73,451,804, T>G. VCF-style: chr2-73451804-T-G. GRCh37 (hg19) VCF-style: chr2-73678931-T-G.
Other names: c.5280T>G, p.Tyr1760Ter (NM_015120.4); short protein forms Y1759*, Y1760*.
Identifiers: ClinVar variation 1962909 (VCV001962909.5), dbSNP rs1671946886, ClinGen allele CA347280652.
Genomic context (GRCh38, chr2:73,451,804, plus strand): 5'-AGCTGTTCCTCAACCAGCTGACCAGAAGACTGGGTTATCTACTGTAACTTCCTCTTTCTA[T>G]TCACATACAGAGAAGCCTAATATTTCTTACCAGCAAGAGTTGCCAGATAGTCATCTAACT-3'